The following is an entry in ClinVar:

ClinVar aggregate classification (germline): Uncertain significance. Review status: criteria provided, multiple submitters, no conflicts (2 of 4 stars). 3 submissions from 3 submitters: Uncertain significance (3). Last evaluated 2026-06-23.

Conditions:
FGFR3-related chondrodysplasia. Identifiers: Orphanet 93420, MedGen C5681604, MONDO:0019685.

Allele frequency attached by ClinVar (database versions not stated): gnomAD 0.00003; TOPMed 0.00002.
gnomAD v4.1: 34 of 1,612,520 alleles (0.0021%); highest among the groups gnomAD compares: South Asian, 0.023%; 1 homozygote.

Submissions (3):

Genomenon, Inc
Classification: Uncertain significance for FGFR3-related chondrodysplasia. Last evaluated: 2026-06-23. Review status: criteria provided, single submitter. Criteria: Genomenon Sequence Variant Interpretation Standards - Updated. Collection method: curation. Allele origin: germline. Affected: no.
Comment: FGFR3 p.Lys583Met (c.1748A>T) is a missense variant that changes the amino acid at codon 583 from Lysine to Methionine. This variant has been reported in the published literature (PMID:30403900;35402233;30612842). It is absent or not present at a significant frequency in gnomAD. In conclusion, we classify FGFR3 p.Lys583Met (c.1748A>T) as a variant of uncertain significance.

Labcorp Genetics (formerly Invitae), Labcorp
Classification: Uncertain significance. Last evaluated: 2025-11-08. Review status: criteria provided, single submitter. Criteria: Invitae Variant Classification Sherloc (09022015). Collection method: clinical testing. Allele origin: germline.
Comment: This sequence change replaces lysine, which is basic and polar, with methionine, which is neutral and non-polar, at codon 583 of the FGFR3 protein (p.Lys583Met). This variant is present in population databases (rs769341070, gnomAD 0.02%). This variant has not been reported in the literature in individuals affected with FGFR3-related conditions. ClinVar contains an entry for this variant (Variation ID: 2725941). Invitae Evidence Modeling of protein sequence and biophysical properties (such as structural, functional, and spatial information, amino acid conservation, physicochemical variation, residue mobility, and thermodynamic stability) indicates that this missense variant is not expected to disrupt FGFR3 protein function with a negative predictive value of 80%. In summary, the available evidence is currently insufficient to determine the role of this variant in disease. Therefore, it has been classified as a Variant of Uncertain Significance.

GeneDx
Classification: Uncertain significance. Last evaluated: 2023-10-09. Review status: criteria provided, single submitter. Criteria: GeneDx Variant Classification Process June 2021. Collection method: clinical testing. Allele origin: germline. Affected: yes.
Comment: In silico analysis supports that this missense variant has a deleterious effect on protein structure/function; Has not been previously published as pathogenic or benign to our knowledge

Literature cited by the submitters: PubMed 30403900 (cited by Genomenon, Inc); PubMed 35402233 (cited by Genomenon, Inc).

NM_000142.5(FGFR3):c.1748A>T (p.Lys583Met)

Gene: FGFR3 (fibroblast growth factor receptor 3; plus strand). Cytogenetic location: 4p16.3.
Variant type: single nucleotide variant.
Coding change: c.1748A>T on transcript NM_000142.5 (MANE Select); coding-DNA position 1748, A replaced by T.
Protein change: p.Lys583Met; replaces lysine 583 with methionine.
Molecular consequence: missense variant. On other transcripts: non-coding transcript variant (1).
Genome position (GRCh38, 1-based): chr4:1,805,852, A>T. VCF-style: chr4-1805852-A-T. GRCh37 (hg19) VCF-style: chr4-1807579-A-T.
Other names: c.1754A>T, p.Lys585Met (NM_001163213.2); c.1751A>T, p.Lys584Met (NM_001354809.2, NM_001354810.2); c.1412A>T, p.Lys471Met (NM_022965.4); short protein forms K583M, K585M, K471M, K584M.
Identifiers: ClinVar variation 2725941 (VCV002725941.5), dbSNP rs769341070, ClinGen allele CA2810562.